The following is an entry in ClinVar:

ClinVar aggregate classification (germline): Uncertain significance. Review status: criteria provided, multiple submitters, no conflicts (2 of 4 stars). 15 submissions from 15 submitters: Uncertain significance (14). 1 of the submissions does not count toward it. Last evaluated 2026-01-18.

Conditions:
Hereditary cancer-predisposing syndrome. Also called: Tumor predisposition; Neoplastic Syndromes, Hereditary; Hereditary Cancer Syndrome; Hereditary neoplastic syndrome. Identifiers: Orphanet 140162, MedGen C0027672, MeSH D009386, MONDO:0015356.
Familial adenomatous polyposis 2. Also called: MUTYH Polyposis; ADENOMAS, MULTIPLE COLORECTAL, AUTOSOMAL RECESSIVE; Adenomas, multiple colorectal; MYH-associated polyposis; FAP type 2; MUTYH-related attenuated familial adenomatous polyposis. Identifiers: Orphanet 220460, Orphanet 247798, MedGen C3272841, MONDO:0012041, OMIM 608456.

Allele frequency attached by ClinVar (database versions not stated): gnomAD 0.00001 and 0.00002; TOPMed 0.00001; ExAC 0.00002; gnomAD exomes 0.00002 and 0.00003.

Submissions (15):

Labcorp Genetics (formerly Invitae), Labcorp
Classification: Uncertain significance for Familial adenomatous polyposis 2. Last evaluated: 2026-01-18. Review status: criteria provided, single submitter. Criteria: Invitae Variant Classification Sherloc (09022015). Collection method: clinical testing. Allele origin: germline.
Comment: This sequence change replaces arginine, which is basic and polar, with cysteine, which is neutral and slightly polar, at codon 294 of the MUTYH protein (p.Arg294Cys). The frequency data for this variant in the population databases is considered unreliable, as metrics indicate poor data quality at this position in the gnomAD database. This missense change has been observed in individual(s) with breast cancer (PMID: 28135048, 33785725). ClinVar contains an entry for this variant (Variation ID: 182692). An algorithm developed to predict the effect of missense changes on protein structure and function (PolyPhen-2) suggests that this variant is likely to be disruptive. In summary, the available evidence is currently insufficient to determine the role of this variant in disease. Therefore, it has been classified as a Variant of Uncertain Significance.

Color Diagnostics, LLC DBA Color Health
Classification: Uncertain significance for Hereditary cancer-predisposing syndrome. Last evaluated: 2025-06-05. Review status: criteria provided, single submitter. Criteria: ACMG Guidelines, 2015. Collection method: clinical testing. Allele origin: germline.
Comment: This missense variant replaces arginine with cysteine at codon 294 of the MUTYH protein. This variant is known as c.838C>T (p.Arg280Cys) based on the alternate NM_001048171.1 transcript. Computational prediction tool is inconclusive regarding the impact of this variant on protein structure and function. To our knowledge, functional studies have not been reported for this variant. This variant has been reported in individuals affected with colorectal cancer (PMID: 28135145), breast cancer (PMID: 28135048, 33785725, 33471991), and an individual referred for hereditary screening (PMID: 31159747). This variant has been identified in 7/245982 chromosomes in the general population by the Genome Aggregation Database (gnomAD). The available evidence is insufficient to determine the role of this variant in disease conclusively. Therefore, this variant is classified as a Variant of Uncertain Significance.

Quest Diagnostics Nichols Institute San Juan Capistrano
Classification: Uncertain significance. Last evaluated: 2025-05-27. Review status: criteria provided, single submitter. Criteria: Quest Diagnostics criteria. Collection method: clinical testing. Allele origin: unknown.
Comment: The MUTYH c.880C>T (p.Arg294Cys) variant has been reported in the published literature in individuals with breast and or ovarian cancer (PMID: 28135048 (2017), 31273614 (2019), 31159747 (2019), 36577833 (2023), 33471991 (2021), see also LOVD), colorectal cancer (PMID: 28135145 (2017), and reportedly unaffected individuals (PMID: 33471991 (2021), see also LOVD). The frequency of this variant in the general population (Genome Aggregation Database) is uninformative in the assessment of its pathogenicity. Analysis of this variant using bioinformatics tools for the prediction of the effect of amino acid changes on protein structure and function yielded conflicting predictions that this variant is benign or damaging. Based on the available information, we are unable to determine the clinical significance of this variant.

Center for Genomic Medicine, Rigshospitalet, Copenhagen University Hospital
Classification: Uncertain significance. Last evaluated: 2025-03-04. Review status: criteria provided, single submitter. Criteria: ACMG Guidelines, 2015. Collection method: clinical testing. Allele origin: germline.

Ambry Genetics
Classification: Uncertain significance for Hereditary cancer-predisposing syndrome. Last evaluated: 2024-12-23. Review status: criteria provided, single submitter. Criteria: Ambry Variant Classification Scheme 2023. Collection method: clinical testing. Allele origin: germline.
Comment: The p.R294C variant (also known as c.880C>T), located in coding exon 10 of the MUTYH gene, results from a C to T substitution at nucleotide position 880. The arginine at codon 294 is replaced by cysteine, an amino acid with highly dissimilar properties. This variant has also been reported in 1/1197 individuals from Greece, Romania, and Turkey undergoing evaluation for inherited cancer predisposition (Tsaousis GN et al. BMC Cancer, 2019 Jun;19:535). This variant has been identified in the homozygous state and/or in conjunction with other MUTYH variant(s) in individual(s) with features consistent with MUTYH-associated polyposis (Ambry internal data). This amino acid position is not well conserved in available vertebrate species. In addition, the in silico prediction for this alteration is inconclusive. Based on the available evidence, the clinical significance of this variant remains unclear.

Blueprint Genetics
Classification: Uncertain significance. Last evaluated: 2024-10-01. Review status: criteria provided, single submitter. Criteria: ACMG Guidelines, 2015. Collection method: clinical testing. Allele origin: germline.

GeneDx
Classification: Uncertain significance. Last evaluated: 2024-05-17. Review status: criteria provided, single submitter. Criteria: GeneDx Variant Classification Process June 2021. Collection method: clinical testing. Allele origin: germline. Affected: yes.
Comment: Not observed at significant frequency in large population cohorts (gnomAD); In silico analysis supports that this missense variant has a deleterious effect on protein structure/function; Observed in individuals with a personal or family history including breast cancer, but also in unaffected controls (PMID: 28135048, 33785725, 33471991); This variant is associated with the following publications: (PMID: 28135048, 28135145, 31159747, 32980694, 33785725, 36577833, 11092888, 11160897, 33471991, 31273614, 36243179)

All of Us Research Program, National Institutes of Health
Classification: Uncertain significance for Familial adenomatous polyposis 2. Last evaluated: 2023-11-30. Review status: criteria provided, single submitter. Criteria: ACMG Guidelines, 2015. Collection method: clinical testing. Allele origin: germline. Inheritance: Autosomal recessive inheritance. Observed: 5 variant alleles, 5 heterozygotes.
Comment: This missense variant replaces arginine with cysteine at codon 294 of the MUTYH protein. This variant is known as c.838C>T (p.Arg280Cys) based on the alternate NM_001048171.1 transcript. Computational prediction tool is inconclusive regarding the impact of this variant on protein structure and function (internally defined REVEL score threshold 0.5 < inconclusive < 0.7, PMID: 27666373). To our knowledge, functional studies have not been reported for this variant. This variant has been reported in individuals affected with colorectal cancer (PMID: 28135145), breast cancer (PMID: 28135048, 33785725, 33471991), and an individual referred for hereditary screening (PMID: 31159747). This variant has been identified in 7/245982 chromosomes in the general population by the Genome Aggregation Database (gnomAD). The available evidence is insufficient to determine the role of this variant in disease conclusively. Therefore, this variant is classified as a Variant of Uncertain Significance.

This study involves interpretation of variants in research participants for the purpose of population health screening. Participant phenotype was not available at the time of variant classification. Additional details can be found in publication PMID: 35346344, PMCID: PMC8962531

Baylor Genetics
Classification: Uncertain significance for Familial adenomatous polyposis 2. Last evaluated: 2023-10-06. Review status: criteria provided, single submitter. Criteria: ACMG Guidelines, 2015. Collection method: clinical testing. Allele origin: unknown.

Women's Health and Genetics/Laboratory Corporation of America, LabCorp
Classification: Uncertain significance. Last evaluated: 2023-08-15. Review status: criteria provided, single submitter. Criteria: LabCorp Variant Classification Summary - May 2015. Collection method: clinical testing. Allele origin: germline.
Comment: Variant summary: MUTYH c.880C>T (p.Arg294Cys) results in a non-conservative amino acid change in the encoded protein sequence. Five of five in-silico tools predict a damaging effect of the variant on protein function. The variant allele was found at a frequency of 2.8e-05 in 251064 control chromosomes. The available data on variant occurrences in the general population are insufficient to allow any conclusion about variant significance. c.880C>T has been reported in the literature in settings of multigene panel testing among individuals affected with breast cancer (example, Liu_2017, Tsaousis_2019, Gervas_2019 and 2021) or with colorectal cancer (example, Yurgelun_2017). It has also been reported in both breast cancer and control cohorts (example, Dorling_2021). These report(s) do not provide unequivocal conclusions about association of the variant with MUTYH-Associated Polyposis. Co-occurrences with other pathogenic variant(s) have been reported (BRCA2 c.8208_8209insAG, p.Leu2737fs) (Gervas_2019). To our knowledge, no experimental evidence demonstrating an impact on protein function has been reported. The following publications have been ascertained in the context of this evaluation (PMID: 33785725, 31273614, 28135048, 31159747, 28135145, 33471991). Eight submitters have cited clinical-significance assessments for this variant to ClinVar after 2014. All submitters classified the variant as uncertain significance. Based on the evidence outlined above, the variant was classified as uncertain significance.

Revvity Omics, Revvity
Classification: Uncertain significance for Familial adenomatous polyposis 2. Last evaluated: 2021-10-27. Review status: criteria provided, single submitter. Criteria: ACMG Guidelines, 2015. Collection method: clinical testing. Allele origin: germline.

CeGaT Center for Human Genetics Tuebingen
Classification: Uncertain significance. Last evaluated: 2019-03-01. Review status: criteria provided, single submitter. Criteria: CeGaT Center For Human Genetics Tuebingen Variant Classification Criteria Version 2. Collection method: clinical testing. Allele origin: germline. Affected: yes. Observed: 1 variant allele.

GeneKor MSA
Classification: Uncertain significance for Hereditary cancer-predisposing syndrome. Last evaluated: 2018-08-01. Review status: criteria provided, single submitter. Criteria: ACMG Guidelines, 2015. Collection method: clinical testing. Allele origin: germline. Affected: yes.

Breakthrough Genomics
Classification: Uncertain significance. Review status: criteria provided, single submitter. Criteria: ACMG Guidelines, 2015. Collection method: not provided. Allele origin: germline. Inheritance: Autosomal recessive inheritance. Affected: yes.

Counsyl
Classification: Uncertain significance for Familial adenomatous polyposis 2. Last evaluated: 2017-08-24. Review status: no assertion criteria provided. Collection method: clinical testing. Allele origin: unknown. Not counted in ClinVar's aggregate classification.

Literature cited by the submitters: PubMed 28135048 (cited by 7 submitters); PubMed 33785725 (cited by 5 submitters); PubMed 28135145 (cited by 5 submitters); PubMed 31159747 (cited by 5 submitters); PubMed 33471991 (cited by 4 submitters); PubMed 31273614 (cited by Quest Diagnostics Nichols Institute San Juan Capistrano and Women's Health and Genetics/Laboratory Corporation of America, LabCorp); PubMed 36577833 (cited by Quest Diagnostics Nichols Institute San Juan Capistrano).

NM_001048174.2(MUTYH):c.796C>T (p.Arg266Cys)

Gene: MUTYH (mutY DNA glycosylase; minus strand). Cytogenetic location: 1p34.1.
Variant type: single nucleotide variant.
Coding change: c.796C>T on transcript NM_001048174.2 (MANE Select); coding-DNA position 796, C replaced by T.
Protein change: p.Arg266Cys; replaces arginine 266 with cysteine.
Molecular consequence: missense variant. On other transcripts: non-coding transcript variant (2).
Genome position (GRCh38, 1-based): chr1:45,332,219, G>A on the plus strand (C>T on the coding strand, the complement: MUTYH is on the minus strand). VCF-style: chr1-45332219-G-A. GRCh37 (hg19) VCF-style: chr1-45797891-G-A.
Other names: p.R294C:CGC>TGC; c.796C>T, p.Arg266Cys (NM_001048171.2, NM_001048173.2, NM_001293195.2); c.799C>T, p.Arg267Cys (NM_001048172.2); c.880C>T, p.Arg294Cys (NM_001128425.2); c.841C>T, p.Arg281Cys (NM_001293190.2); c.829C>T, p.Arg277Cys (NM_001293191.2); c.520C>T, p.Arg174Cys (NM_001293192.2, NM_001293196.2); c.451C>T, p.Arg151Cys (NM_001350650.2, NM_001350651.2); and 1 more; short protein forms R294C, R280C, R174C, R267C, R291C, R151C, R266C, R277C.
Identifiers: ClinVar variation 182692 (VCV000182692.82), dbSNP rs199840380, ClinGen allele CA014535.
Genomic context (GRCh38, chr1:45,332,219, plus strand): 5'-GGCTTACTCTCTGGCGTGCCCGGCACAGGCTCTCCACAGGGCACTGGCTGCACAGTGGGC[G>A]CTGTGGGGTACACACTGTGGCCCCTAGCTCCATGGCTGCTTGGTTGAAATCTCCTGGCCG-3'
Protein context (NP_001041639.1, residues 256-276): ELGATVCTPQ[Arg266Cys]PLCSQCPVES